The following is an entry in ClinVar:

NM_183075.3(CYP2U1):c.445G>A (p.Asp149Asn)

Genes: CYP2U1 (cytochrome P450 family 2 subfamily U member 1; plus strand), CYP2U1-AS1 (CYP2U1 and SGMS2 antisense RNA 1; minus strand), LOC129992929 (ATAC-STARR-seq lymphoblastoid active region 21791; plus strand). Cytogenetic location: 4q25.
Variant type: single nucleotide variant.
Coding change: c.445G>A on transcript NM_183075.3 (MANE Select); coding-DNA position 445, G replaced by A.
Protein change: p.Asp149Asn; replaces aspartic acid 149 with asparagine.
Molecular consequence: missense variant. On other transcripts: non-coding transcript variant (1).
Genome position (GRCh38, 1-based): chr4:107,932,088, G>A. VCF-style: chr4-107932088-G-A. GRCh37 (hg19) VCF-style: chr4-108853244-G-A.
Other names: short protein forms D149N.
Identifiers: ClinVar variation 4529771 (VCV004529771.1).

ClinVar aggregate classification (germline): Uncertain significance (1 of 4 stars; one submission).

Submission:

GeneDx
Classification: Uncertain significance. Last evaluated: 2025-05-12. Review status: criteria provided, single submitter. Criteria: GeneDx Variant Classification Process June 2021. Collection method: clinical testing. Allele origin: germline. Affected: yes.
Comment: Not observed at significant frequency in large population cohorts (gnomAD); In silico analysis suggests that this missense variant does not alter protein structure/function; Has not been previously published as pathogenic or benign to our knowledge